The following is an entry in ClinVar:

ClinVar aggregate classification (germline): Likely benign (1 of 4 stars; one submission).

Submission:

Women's Health and Genetics/Laboratory Corporation of America, LabCorp
Classification: Likely benign. Last evaluated: 2026-06-11. Review status: criteria provided, single submitter. Criteria: LabCorp Variant Classification Summary - May 2015. Collection method: clinical testing. Allele origin: germline.
Comment: Variant summary: SOS2 c.87+10_87+11delinsCCCT alters a nucleotide located at a position not widely known to affect splicing. Consensus agreement among computation tools predict no significant impact on normal splicing. However, these predictions have yet to be confirmed by functional studies. The variant was absent in 169832 control chromosomes. The available data on variant occurrences in the general population are insufficient to allow any conclusion about variant significance. To our knowledge, no occurrence of c.87+10_87+11delinsCCCT in individuals affected with SOS2-related conditions and no experimental evidence demonstrating its impact on protein function have been reported. No submitters have cited clinical-significance assessments for this variant to ClinVar. Based on the evidence outlined above, the variant was classified as likely benign.

NM_006939.4(SOS2):c.87+10_87+11delinsCCCT

Genes: SOS2 (SOS Ras/Rho guanine nucleotide exchange factor 2; minus strand), LOC130055588 (ATAC-STARR-seq lymphoblastoid silent region 5718; plus strand). Cytogenetic location: 14q21.3.
Variant type: Indel.
Coding change: c.87+10_87+11delinsCCCT on transcript NM_006939.4 (MANE Select); bases 10 to 11 of the intron after coding-DNA position 87, AG replaced by CCCT.
Molecular consequence: intron variant.
Genome position (GRCh38, 1-based): chr14:50,231,186-50,231,187, CT replaced by AGGG on the plus strand (AG replaced by CCCT on the coding strand, the reverse complement: SOS2 is on the minus strand). VCF-style: chr14-50231186-CT-AGGG. GRCh37 (hg19) VCF-style: chr14-50697904-CT-AGGG.
Other names: c.87+10_87+11delinsCCCT (NM_001411020.1).
Identifiers: ClinVar variation 4887344 (VCV004887344.1).
Genomic context (GRCh38, chr14:50,231,186, plus strand): 5'-ACGACCTGCTCCCCGTTAGAAGCTCGGGGGGCCACGGGCCACCCGCCGGCCGCCCCGCCC[CT>AGGG]AGCACTGACCTTCCGCAGGGCCGAGACCAACAGTCCCCGCCATTTCGGACTGTTCTCCTC-3'